The following is an entry in ClinVar:

ClinVar aggregate classification (germline): Uncertain significance. Review status: criteria provided, multiple submitters, no conflicts (2 of 4 stars). 3 submissions from 3 submitters: Uncertain significance (3). Last evaluated 2025-11-05.

Conditions:
Hereditary cancer-predisposing syndrome. Also called: Neoplastic Syndromes, Hereditary; Tumor predisposition; Hereditary Cancer Syndrome; Hereditary neoplastic syndrome. Identifiers: Orphanet 140162, MedGen C0027672, MeSH D009386, MONDO:0015356.
Hereditary nonpolyposis colorectal neoplasms. Identifiers: MedGen C0009405, MeSH D003123.

Allele frequency attached by ClinVar (database versions not stated): gnomAD exomes below 0.00001.
gnomAD v4.1: 1 of 1,607,236 alleles (0.000062%); highest among the groups gnomAD compares: Non-Finnish European, 0.000085%; no homozygotes.

Submissions (3):

Labcorp Genetics (formerly Invitae), Labcorp
Classification: Uncertain significance for Hereditary nonpolyposis colorectal neoplasms. Last evaluated: 2025-11-05. Review status: criteria provided, single submitter. Criteria: Invitae Variant Classification Sherloc (09022015). Collection method: clinical testing. Allele origin: germline.
Comment: This sequence change replaces serine, which is neutral and polar, with leucine, which is neutral and non-polar, at codon 1028 of the MSH6 protein (p.Ser1028Leu). This variant is not present in population databases (gnomAD no frequency). This variant has not been reported in the literature in individuals affected with MSH6-related conditions. ClinVar contains an entry for this variant (Variation ID: 234107). Invitae Evidence Modeling of protein sequence and biophysical properties (such as structural, functional, and spatial information, amino acid conservation, physicochemical variation, residue mobility, and thermodynamic stability) indicates that this missense variant is not expected to disrupt MSH6 protein function with a negative predictive value of 95%. In summary, the available evidence is currently insufficient to determine the role of this variant in disease. Therefore, it has been classified as a Variant of Uncertain Significance.

Ambry Genetics
Classification: Uncertain significance for Hereditary cancer-predisposing syndrome. Last evaluated: 2025-10-02. Review status: criteria provided, single submitter. Criteria: Ambry Variant Classification Scheme 2023. Collection method: clinical testing. Allele origin: germline.
Comment: The p.S1028L variant (also known as c.3083C>T), located in coding exon 4 of the MSH6 gene, results from a C to T substitution at nucleotide position 3083. The serine at codon 1028 is replaced by leucine, an amino acid with dissimilar properties. This amino acid position is not well conserved in available vertebrate species. In addition, the in silico prediction for this alteration is inconclusive. Based on the available evidence, the clinical significance of this variant remains unclear.

Women's Health and Genetics/Laboratory Corporation of America, LabCorp
Classification: Uncertain significance. Last evaluated: 2024-04-13. Review status: criteria provided, single submitter. Criteria: LabCorp Variant Classification Summary - May 2015. Collection method: clinical testing. Allele origin: germline.

NM_000179.3(MSH6):c.3083C>T (p.Ser1028Leu)

Gene: MSH6 (mutS homolog 6; plus strand). Cytogenetic location: 2p16.3.
Variant type: single nucleotide variant.
Coding change: c.3083C>T on transcript NM_000179.3 (MANE Select); coding-DNA position 3083, C replaced by T.
Protein change: p.Ser1028Leu; replaces serine 1028 with leucine.
Molecular consequence: missense variant.
Genome position (GRCh38, 1-based): chr2:47,801,066, C>T. VCF-style: chr2-47801066-C-T. GRCh37 (hg19) VCF-style: chr2-48028205-C-T.
Other names: c.2693C>T, p.Ser898Leu (NM_001281492.2); c.2177C>T, p.Ser726Leu (NM_001281493.2, NM_001281494.2); short protein forms S1028L, S726L, S898L.
Identifiers: ClinVar variation 234107 (VCV000234107.16), dbSNP rs876660853, ClinGen allele CA10578130.